The following is an entry in ClinVar:

ClinVar aggregate classification (germline): Likely pathogenic. Review status: criteria provided, single submitter (1 of 4 stars). 2 submissions from 2 submitters: Likely pathogenic (1). 1 of the submissions does not count toward it. Last evaluated 2023-04-11.

Conditions:
Charlevoix-Saguenay spastic ataxia (SACS). Also called: SPASTIC ATAXIA 6, AUTOSOMAL RECESSIVE; AUTOSOMAL RECESSIVE SPASTIC ATAXIA OF CHARLEVOIX-SAGUENAY; Spastic ataxia of Charlevoix-Saguenay. Identifiers: Orphanet 98, MedGen C1849140, MONDO:0010041, OMIM 270550.

Allele frequency attached by ClinVar (database versions not stated): gnomAD exomes 0.00001.

Submissions (2):

Molecular Genetics, Royal Melbourne Hospital
Classification: Likely pathogenic for Charlevoix-Saguenay spastic ataxia. Last evaluated: 2023-04-11. Review status: criteria provided, single submitter. Criteria: ACMG Guidelines, 2015. Collection method: clinical testing. Allele origin: germline.
Comment: This sequence change in SACS is a frameshift variant that may cause a premature stop codon, p.(Ser3342Cysfs*33), that is predicted to escape nonsense-mediated decay, however, it is a truncation of a functionally important region (removes the HEPN domain) in a gene where loss of function is an established disease mechanism (PMID: 21507954). This variant is absent from the population database gnomAD v2.1 and v3.1. To our knowledge, this variant has not been reported in the literature in any individuals. It has been reported as likely pathogenic in ClinVar (ID: 556499). Based on the classification scheme RMH Modified ACMG Guidelines v1.5.1, this variant is classified as LIKELY PATHOGENIC. Following criteria are met: PVS1, PM2_Supporting.

Counsyl
Classification: Likely pathogenic for Charlevoix-Saguenay spastic ataxia. Last evaluated: 2018-02-02. Review status: no assertion criteria provided. Collection method: clinical testing. Allele origin: unknown. Not counted in ClinVar's aggregate classification.

Literature cited by the submitters: PubMed 21507954 (cited by Molecular Genetics, Royal Melbourne Hospital).

NM_014363.6(SACS):c.10024_10025del (p.Ser3342fs)

Gene: SACS (sacsin molecular chaperone; minus strand). Cytogenetic location: 13q12.12.
Variant type: Deletion.
Coding change: c.10024_10025del on transcript NM_014363.6 (MANE Select); coding-DNA positions 10024 to 10025, 2 bases deleted (AG; older notation c.10024_10025delAG).
Protein change: p.Ser3342fs; shifts the reading frame from serine 3342.
Molecular consequence: frameshift variant.
Genome position (GRCh38, 1-based): chr13:23,333,851-23,333,852, CT deleted on the plus strand (AG on the coding strand, the reverse complement: SACS is on the minus strand). VCF-style (leftmost placement, unchanged base first): chr13-23333850-ACT-A. GRCh37 (hg19) VCF-style: chr13-23907989-ACT-A.
Other names: c.9583_9584del, p.Ser3195fs (NM_001278055.2); c.10024_10025delAG (NM_014363.6); short protein forms S3195fs, S3342fs.
Identifiers: ClinVar variation 556499 (VCV000556499.3), dbSNP rs1555250395, ClinGen allele CA658823465.